The following is an entry in ClinVar:

ClinVar aggregate classification (germline): Uncertain significance (1 of 4 stars; one submission).

Submission:

GeneDx
Classification: Uncertain significance. Last evaluated: 2024-10-20. Review status: criteria provided, single submitter. Criteria: GeneDx Variant Classification Process June 2021. Collection method: clinical testing. Allele origin: germline. Affected: yes.
Comment: Reported in an individual undergoing whole genome sequencing who presumably had an abnormal echocardiogram; however, specific clinical details were not provided (PMID: 31980526); Nonsense variant predicted to result in protein truncation as the last 21 amino acid(s) are lost; Not observed at significant frequency in large population cohorts (gnomAD); This variant is associated with the following publications: (PMID: 31980526)

NM_005585.5(SMAD6):c.1428C>G (p.Tyr476Ter)

Gene: SMAD6 (SMAD family member 6; plus strand). Cytogenetic location: 15q22.31.
Variant type: single nucleotide variant.
Coding change: c.1428C>G on transcript NM_005585.5 (MANE Select); coding-DNA position 1428, C replaced by G.
Protein change: p.Tyr476Ter; replaces tyrosine 476 with a stop codon.
Molecular consequence: nonsense. On other transcripts: non-coding transcript variant (1).
Genome position (GRCh38, 1-based): chr15:66,781,472, C>G. VCF-style: chr15-66781472-C-G. GRCh37 (hg19) VCF-style: chr15-67073810-C-G.
Other names: short protein forms Y476*.
Identifiers: ClinVar variation 3780997 (VCV003780997.1).